The following is an entry in ClinVar:

GRCh37/hg19 2p25.2-25.1(chr2:5689487-7379378)x3

Genes: CMPK2 (cytidine/uridine monophosphate kinase 2; minus strand), RNF144A (ring finger protein 144A; plus strand), RSAD2 (radical S-adenosyl methionine domain containing 2; plus strand), SOX11 (SRY-box transcription factor 11; plus strand). Cytogenetic location: 2p25.2-25.1.
Variant type: copy number gain.
Change: copy number 3 (three copies instead of two) of chr2:5,689,487-7,379,378 (1.69 Mb, GRCh37 coordinates, 1-based), cytogenetic band 2p25.2-25.1.
Identifiers: ClinVar variation 2664507 (VCV002664507.1).

ClinVar aggregate classification (germline): Likely pathogenic (0 of 4 stars; one submission).

Conditions:
Syndromic craniosynostosis. Identifiers: Orphanet 139393, MedGen C5680624, MONDO:0015338.

Submission:

Klinisk genetik och genomik Research, Gothenburg University
Classification: Likely pathogenic for Syndromic craniosynostosis. Last evaluated: 2023-11-09. Review status: no assertion criteria provided. Collection method: research. Allele origin: de novo. Affected: yes.